The following is an entry in ClinVar:

ClinVar aggregate classification (germline): Uncertain significance (3 of 4 stars; one submission).

Conditions:
Glanzmann thrombasthenia. Also called: Glanzmann's thrombasthenia; PLATELET GLYCOPROTEIN IIb-IIIa DEFICIENCY; BLEEDING DISORDER, PLATELET-TYPE, 2; THROMBASTHENIA OF GLANZMANN AND NAEGELI; Thrombasthenia. Identifiers: Orphanet 849, MedGen C0040015, MONDO:0100326.

Submission:

ClinGen Platelet Disorders Variant Curation Expert Panel, ClinGen
Classification: Uncertain significance for Glanzmann thrombasthenia. Last evaluated: 2023-12-19. Review status: reviewed by expert panel. Criteria: ClinGen Platelet ACMG Specifications v2-1. Collection method: curation. Allele origin: germline. Inheritance: Autosomal recessive inheritance.
Comment: The NM_000419.5(ITGA2B):c.1022C>T (p.Ala341Val) missense variant has been reported in at least one compound heterozygous GT proband (GT database patient 437). Patient 437 meets the criteria for PP4_Moderate; including mucocutaneous bleeding, impaired aggregation with all agonists except ristocetin. Computational evidence supports a deleterious effect with a REVEL score of 0.764 (PP3). In summary there is insufficient evidence at this time to classify this variant for autosomal recessive Glanzmann thrombasthenia. GT-specific criteria applied: PM2_Supporting, PP3, and PP4_Moderate.

NM_000419.5(ITGA2B):c.1022C>T (p.Ala341Val)

Gene: ITGA2B (integrin subunit alpha 2b; minus strand). Cytogenetic location: 17q21.31.
Variant type: single nucleotide variant.
Coding change: c.1022C>T on transcript NM_000419.5 (MANE Select); coding-DNA position 1022, C replaced by T.
Protein change: p.Ala341Val; replaces alanine 341 with valine.
Molecular consequence: missense variant.
Genome position (GRCh38, 1-based): chr17:44,383,681, G>A on the plus strand (C>T on the coding strand, the complement: ITGA2B is on the minus strand). VCF-style: chr17-44383681-G-A. GRCh37 (hg19) VCF-style: chr17-42461049-G-A.
Other names: short protein forms A341V.
Identifiers: ClinVar variation 996201 (VCV000996201.3), dbSNP rs2048616805, ClinGen allele CA399804629.
Genomic context (GRCh38, chr17:44,383,681, plus strand): 5'-AAATACACACGCCCCACTTCGGCCAGTTTTCGGTCTGCCCGGCTCTCCATATACAGTGGA[G>A]CGCCCACCAGCAGATCATGCCTCCTGTGGGCCAGATGAGTGGTTACATGGGACTGGACCA-3'
Protein context (NP_000410.2, residues 331-351): GDGRHDLLVG[Ala341Val]PLYMESRADR